The following is an entry in ClinVar:

ClinVar aggregate classification (germline): Uncertain significance (1 of 4 stars; one submission).

Allele frequency attached by ClinVar (database versions not stated): ExAC 0.00001; gnomAD 0.00001; TOPMed 0.00001; ESP Exome Variant Server 0.00008.
gnomAD v4.1: 2 of 1,614,048 alleles (0.00012%); highest among the groups gnomAD compares: African/African-American, 0.0027%; no homozygotes.

Submission:

Labcorp Genetics (formerly Invitae), Labcorp
Classification: Uncertain significance. Last evaluated: 2022-10-17. Review status: criteria provided, single submitter. Criteria: Invitae Variant Classification Sherloc (09022015). Collection method: clinical testing. Allele origin: germline.
Comment: Algorithms developed to predict the effect of missense changes on protein structure and function are either unavailable or do not agree on the potential impact of this missense change (SIFT: "Deleterious"; PolyPhen-2: "Benign"; Align-GVGD: "Class C0"). In summary, the available evidence is currently insufficient to determine the role of this variant in disease. Therefore, it has been classified as a Variant of Uncertain Significance. This variant has not been reported in the literature in individuals affected with SORL1-related conditions. This variant is present in population databases (rs369728801, gnomAD no frequency). This sequence change replaces proline, which is neutral and non-polar, with leucine, which is neutral and non-polar, at codon 656 of the SORL1 protein (p.Pro656Leu).

NM_003105.6(SORL1):c.1967C>T (p.Pro656Leu)

Gene: SORL1 (sortilin related receptor 1; plus strand). Cytogenetic location: 11q24.1.
Variant type: single nucleotide variant.
Coding change: c.1967C>T on transcript NM_003105.6 (MANE Select); coding-DNA position 1967, C replaced by T.
Protein change: p.Pro656Leu; replaces proline 656 with leucine.
Molecular consequence: missense variant.
Genome position (GRCh38, 1-based): chr11:121,545,345, C>T. VCF-style: chr11-121545345-C-T. GRCh37 (hg19) VCF-style: chr11-121416054-C-T.
Other names: short protein forms P656L.
Identifiers: ClinVar variation 2134237 (VCV002134237.4), dbSNP rs369728801, ClinGen allele CA6328791.
Genomic context (GRCh38, chr11:121,545,345, plus strand): 5'-CTGATGAGCGGGGGAATGAGTGTTTGCTGGGACACAAGACTGTTTTCAAACGGCGGACCC[C>T]CCATGCCACATGCTTCAATGGAGAGGACTTTGACAGGCCGGTGGTCGTGTCCAACTGCTC-3'
Protein context (NP_003096.2, residues 646-666): GHKTVFKRRT[Pro656Leu]HATCFNGEDF